The following is an entry in ClinVar:

NM_020774.4(MIB1):c.2825A>G (p.Asn942Ser)

Gene: MIB1 (MIB E3 ubiquitin protein ligase 1; plus strand). Cytogenetic location: 18q11.2.
Variant type: single nucleotide variant.
Coding change: c.2825A>G on transcript NM_020774.4 (MANE Select); coding-DNA position 2825, A replaced by G.
Protein change: p.Asn942Ser; replaces asparagine 942 with serine.
Molecular consequence: missense variant.
Genome position (GRCh38, 1-based): chr18:21,858,591, A>G. VCF-style: chr18-21858591-A-G. GRCh37 (hg19) VCF-style: chr18-19438552-A-G.
Other names: short protein forms N942S.
Identifiers: ClinVar variation 3395798 (VCV003395798.1).

ClinVar aggregate classification (germline): Uncertain significance (1 of 4 stars; one submission).

Conditions:
Inborn genetic diseases. Identifiers: MedGen C0950123, MeSH D030342.

gnomAD v4.1: 3 of 1,601,878 alleles (0.00019%); highest among the groups gnomAD compares: Admixed American, 0.0017%; no homozygotes.

Submission:

Ambry Genetics
Classification: Uncertain significance for Inborn genetic diseases. Last evaluated: 2024-11-17. Review status: criteria provided, single submitter. Criteria: Ambry Variant Classification Scheme 2023. Collection method: clinical testing. Allele origin: germline.
Comment: The p.N942S variant (also known as c.2825A>G), located in coding exon 20 of the MIB1 gene, results from an A to G substitution at nucleotide position 2825. The asparagine at codon 942 is replaced by serine, an amino acid with highly similar properties. This amino acid position is conserved. In addition, this alteration is predicted to be tolerated by in silico analysis. Based on the available evidence, the clinical significance of this variant remains unclear.